The following is an entry in ClinVar:

ClinVar aggregate classification (germline): Benign (1 of 4 stars; one submission).

Allele frequency attached by ClinVar (database versions not stated): TOPMed 0.69258; gnomAD 0.69885 and 0.70304; 1000 Genomes Project 0.70288; 1000 Genomes Project 30x 0.70378.
gnomAD v4.1: 106,792 of 151,994 alleles (70%); highest among the groups gnomAD compares: South Asian, 78%; 37,727 homozygotes.

Submission:

GeneDx
Classification: Benign. Last evaluated: 2018-06-18. Review status: criteria provided, single submitter. Criteria: GeneDx Variant Classification (06012015). Collection method: clinical testing. Allele origin: germline. Affected: yes.
Comment: This variant is considered likely benign or benign based on one or more of the following criteria: it is a conservative change, it occurs at a poorly conserved position in the protein, it is predicted to be benign by multiple in silico algorithms, and/or has population frequency not consistent with disease.

NM_001148.6(ANK2):c.693+274A>C

Gene: ANK2 (ankyrin 2; plus strand). Cytogenetic location: 4q26.
Variant type: single nucleotide variant.
Coding change: c.693+274A>C on transcript NM_001148.6 (MANE Select); 274 bases into the intron after coding-DNA position 693, A replaced by C.
Molecular consequence: intron variant.
Genome position (GRCh38, 1-based): chr4:113,237,896, A>C. VCF-style: chr4-113237896-A-C. GRCh37 (hg19) VCF-style: chr4-114159052-A-C.
Other names: c.681+274A>C (NM_001386186.2, NM_001386148.2, NM_001354269.3); c.657+724A>C (NM_001386187.2); c.651+724A>C (NM_001386147.1, NM_001386160.1, NM_001354261.2); c.630+274A>C (NM_001354254.2, NM_001354239.2, NM_001354252.2 and 14 more transcripts); c.606+724A>C (NM_001354249.2, NM_001354266.2, NM_001354276.2 and 16 more transcripts); c.738+274A>C (NM_001354241.2, NM_001386152.1, NM_001354237.2 and 5 more transcripts); c.693+274A>C (NM_001354225.2, NM_001354235.2, NM_001354246.2 and 9 more transcripts); c.744+274A>C (NM_001386174.1); and 1 more.
Identifiers: ClinVar variation 683235 (VCV000683235.1), dbSNP rs362498, ClinGen allele CA103796119.
Genomic context (GRCh38, chr4:113,237,896, plus strand): 5'-TAAATAAGTTATTAGAGAATGAAATGAAACTCTTTCTTAACATATATTTTAATGAGTGAG[A>C]TTTACTATTAACTTATTGTCAAGAAGAGATATGATTTTATTTCCTTAATGAGAATTCTTA-3'